The following is an entry in ClinVar:

NM_172201.2(KCNE2):c.269A>G (p.Glu90Gly)

Genes: KCNE2 (potassium voltage-gated channel subfamily E regulatory subunit 2; plus strand), LOC105372791 (uncharacterized LOC105372791; minus strand). Cytogenetic location: 21q22.11.
Variant type: single nucleotide variant.
Coding change: c.269A>G on transcript NM_172201.2 (MANE Select); coding-DNA position 269, A replaced by G.
Protein change: p.Glu90Gly; replaces glutamic acid 90 with glycine.
Molecular consequence: missense variant.
Genome position (GRCh38, 1-based): chr21:34,370,747, A>G. VCF-style: chr21-34370747-A-G. GRCh37 (hg19) VCF-style: chr21-35743046-A-G.
Other names: c.269A>G (LRG_291t1); short protein forms E90G.
Identifiers: ClinVar variation 67617 (VCV000067617.1), dbSNP rs199473366, ClinGen allele CA145055.
Genomic context (GRCh38, chr21:34,370,747, plus strand): 5'-GCACTGTGAAATCCAAGAGACGGGAACACTCCAATGACCCCTACCACCAGTACATTGTAG[A>G]GGACTGGCAGGAAAAGTACAAGAGCCAAATCTTGAATCTAGAAGAATCGAAGGCCACCAT-3'
Protein context (NP_751951.1, residues 80-100): SNDPYHQYIV[Glu90Gly]DWQEKYKSQI

ClinVar aggregate classification (germline): not provided (0 of 4 stars; one submission).

Conditions:
Atrial fibrillation. Identifiers: MedGen C0004238, MONDO:0004981, HP:0005110.

Submission:

Cardiovascular Biomedical Research Unit, Royal Brompton & Harefield NHS Foundation Trust
No classification provided. Condition: Atrial fibrillation. Review status: no classification provided. Collection method: literature only. Allele origin: germline.
Comment: This variant has been reported as associated with Atrial fibrillation in the following publications (PMID:18006559). This is a literature report, and does not necessarily reflect the clinical interpretation of the Imperial College / Royal Brompton Cardiovascular Genetics laboratory.

Literature cited by the submitters: PubMed 18006559; PubMed 22581653.